The following is an entry in ClinVar:

NM_001164665.2(KIAA1549):c.52C>A (p.Arg18Ser)

Gene: KIAA1549 (KIAA1549; minus strand). Cytogenetic location: 7q34.
Variant type: single nucleotide variant.
Coding change: c.52C>A on transcript NM_001164665.2 (MANE Select); coding-DNA position 52, C replaced by A.
Protein change: p.Arg18Ser; replaces arginine 18 with serine.
Molecular consequence: missense variant.
Genome position (GRCh38, 1-based): chr7:138,981,218, G>T on the plus strand (C>A on the coding strand, the complement: KIAA1549 is on the minus strand). VCF-style: chr7-138981218-G-T. GRCh37 (hg19) VCF-style: chr7-138665964-G-T.
Other names: c.52C>A, p.Arg18Ser (NM_020910.3); short protein forms R18S.
Identifiers: ClinVar variation 1401903 (VCV001401903.8), dbSNP rs1311170771, ClinGen allele CA369382572.

ClinVar aggregate classification (germline): Uncertain significance (1 of 4 stars; one submission).

Submission:

Labcorp Genetics (formerly Invitae), Labcorp
Classification: Uncertain significance. Last evaluated: 2021-01-11. Review status: criteria provided, single submitter. Criteria: Invitae Variant Classification Sherloc (09022015). Collection method: clinical testing. Allele origin: germline.
Comment: This sequence change replaces arginine with serine at codon 18 of the KIAA1549 protein (p.Arg18Ser). The arginine residue is weakly conserved and there is a moderate physicochemical difference between arginine and serine. The frequency data for this variant in the population databases is considered unreliable, as metrics indicate insufficient coverage at this position in the ExAC database. This variant has not been reported in the literature in individuals with KIAA1549-related conditions. Algorithms developed to predict the effect of missense changes on protein structure and function are either unavailable or do not agree on the potential impact of this missense change (SIFT: "Deleterious"; PolyPhen-2: "Benign"; Align-GVGD: "Class C0"). In summary, the available evidence is currently insufficient to determine the role of this variant in disease. Therefore, it has been classified as a Variant of Uncertain Significance.